The following is an entry in ClinVar:

ClinVar aggregate classification (germline): Pathogenic. Review status: criteria provided, multiple submitters, no conflicts (2 of 4 stars). 2 submissions from 2 submitters: Pathogenic (2). Last evaluated 2024-04-13.

Conditions:
Autosomal recessive congenital ichthyosis 1 (LI1). Also called: COLLODION FETUS; DESQUAMATION OF NEWBORN; ICHTHYOSIS CONGENITA; ICHTHYOSIS CONGENITA II; LAMELLAR EXFOLIATION OF NEWBORN; ICHTHYOSIS, CONGENITAL, AUTOSOMAL RECESSIVE 1, WITH BATHING SUIT DISTRIBUTION. Identifiers: MedGen C4551630, MONDO:0009441, OMIM 242300.

Submissions (2):

Myriad Genetics, Inc.
Classification: Pathogenic for Autosomal recessive congenital ichthyosis 1. Last evaluated: 2024-04-13. Review status: criteria provided, single submitter. Criteria: Myriad Autosomal Dominant, Autosomal Recessive and X-Linked Classification Criteria (2023). Collection method: clinical testing. Allele origin: unknown.
Comment: NM_000359.2(TGM1):c.1686_1695del10(H563Nfs*24) is expected to be pathogenic in the context of TGM1-related autosomal recessive congenital ichthyosis. This variant is predicted to lead to an abnormal or absent protein product due to the creation of a premature termination codon in TGM1, a gene where loss-of-function variants are known to be pathogenic. Please note: this variant was assessed in the context of healthy population screening.

Labcorp Genetics (formerly Invitae), Labcorp
Classification: Pathogenic. Last evaluated: 2022-06-12. Review status: criteria provided, single submitter. Criteria: Invitae Variant Classification Sherloc (09022015). Collection method: clinical testing. Allele origin: germline.
Comment: For these reasons, this variant has been classified as Pathogenic. This premature translational stop signal has been observed in individual(s) with congenital ichthyosis (PMID: 27025581). This variant is not present in population databases (gnomAD no frequency). This sequence change creates a premature translational stop signal (p.His563Asnfs*24) in the TGM1 gene. It is expected to result in an absent or disrupted protein product. Loss-of-function variants in TGM1 are known to be pathogenic (PMID: 18948357, 19241467).

Literature cited by the submitters: PubMed 27025581 (cited by Labcorp Genetics (formerly Invitae), Labcorp); PubMed 18948357 (cited by Labcorp Genetics (formerly Invitae), Labcorp); PubMed 19241467 (cited by Labcorp Genetics (formerly Invitae), Labcorp).

NM_000359.3(TGM1):c.1686_1695del (p.His563fs)

Gene: TGM1 (transglutaminase 1; minus strand). Cytogenetic location: 14q12.
Variant type: Deletion.
Coding change: c.1686_1695del on transcript NM_000359.3 (MANE Select); coding-DNA positions 1686 to 1695, 10 bases deleted (CCACGGCAGC; older notation c.1686_1695delCCACGGCAGC).
Protein change: p.His563fs; shifts the reading frame from histidine 563.
Molecular consequence: frameshift variant.
Genome position (GRCh38, 1-based): chr14:24,255,204-24,255,213, GCTGCCGTGG deleted on the plus strand (CCACGGCAGC on the coding strand, the reverse complement: TGM1 is on the minus strand); deleting any 10 consecutive bases within chr14:24,255,204-24,255,218 gives the same sequence; the c. name uses the placement nearest the transcript's 3' end. VCF-style (leftmost placement, unchanged base first): chr14-24255203-TGCTGCCGTGG-T. GRCh37 (hg19) VCF-style: chr14-24724409-TGCTGCCGTGG-T.
Other names: short protein forms H563fs.
Identifiers: ClinVar variation 2137573 (VCV002137573.5), dbSNP rs2502494296, ClinGen allele CA2580087952.